The following is an entry in ClinVar:

NM_024884.3(L2HGDH):c.752G>A (p.Arg251Gln)

Gene: L2HGDH (L-2-hydroxyglutarate dehydrogenase; minus strand). Cytogenetic location: 14q21.3.
Variant type: single nucleotide variant.
Coding change: c.752G>A on transcript NM_024884.3 (MANE Select); coding-DNA position 752, G replaced by A.
Protein change: p.Arg251Gln; replaces arginine 251 with glutamine.
Molecular consequence: missense variant.
Genome position (GRCh38, 1-based): chr14:50,269,317, C>T on the plus strand (G>A on the coding strand, the complement: L2HGDH is on the minus strand). VCF-style: chr14-50269317-C-T. GRCh37 (hg19) VCF-style: chr14-50736035-C-T.
Other names: short protein forms R251Q.
Identifiers: ClinVar variation 447679 (VCV000447679.8), dbSNP rs767037296, ClinGen allele CA7177896.
Genomic context (GRCh38, chr14:50,269,317, plus strand): 5'-CCACTCAACTCTGAAATACGGTCTGAGTAAAGTCCTGCACATGTCACAACATACTGACAT[C>T]GAATTTCCTCTCCCTAGTGCAAAATAAAAGAACAGTTATTTGTATAAAGTGGAGTAGAAT-3'
Protein context (NP_079160.1, residues 241-261): VIKNTKGEEI[Arg251Gln]CQYVVTCAGL

ClinVar aggregate classification (germline): Conflicting classifications of pathogenicity. Review status: criteria provided, conflicting classifications (1 of 4 stars). 5 submissions from 5 submitters: Uncertain significance (4); Likely benign (1). Last evaluated 2026-08-06.

Conditions:
Inborn genetic diseases. Identifiers: MedGen C0950123, MeSH D030342.
L-2-hydroxyglutaric aciduria (L2HGA). Identifiers: Orphanet 79314, MedGen C1855995, MONDO:0009370, OMIM 236792, HP:0040144.

Allele frequency attached by ClinVar (database versions not stated): ExAC 0.00002; gnomAD 0.00002; TOPMed 0.00002.
gnomAD v4.1: 60 of 1,613,736 alleles (0.0037%); highest among the groups gnomAD compares: South Asian, 0.0099%; no homozygotes.

Submissions (5):

OLLIN Analises Genomicas, OLLIN
Classification: Uncertain significance. Last evaluated: 2026-08-06. Review status: criteria provided, single submitter. Criteria: ACMG Guidelines 2015 PMID 25741868. Collection method: clinical testing. Allele origin: germline.
Comment: This missense variant, located in exon 7 (of 10), has been reported in ClinVar (accession VCV000447679.7) and in gnomAD with an allele frequency of 0.0037%. However, to our knowledge, it has not been reported in the scientific literature. In silico analysis predicts that this variant has a tolerated effect. According to the currently available evidence, this variant has been classified as uncertain significance (PM2_P, BP4_M).

Mayo Clinic Laboratories, Mayo Clinic
Classification: Uncertain significance. Last evaluated: 2025-02-22. Review status: criteria provided, single submitter. Criteria: ACMG Guidelines, 2015. Collection method: clinical testing. Allele origin: germline. Observed: 1 variant allele.
Comment: BP4, PM2_supporting

Labcorp Genetics (formerly Invitae), Labcorp
Classification: Uncertain significance for L-2-hydroxyglutaric aciduria. Last evaluated: 2024-05-20. Review status: criteria provided, single submitter. Criteria: Invitae Variant Classification Sherloc (09022015). Collection method: clinical testing. Allele origin: germline.
Comment: This sequence change replaces arginine, which is basic and polar, with glutamine, which is neutral and polar, at codon 251 of the L2HGDH protein (p.Arg251Gln). This variant is present in population databases (rs767037296, gnomAD 0.01%). This variant has not been reported in the literature in individuals affected with L2HGDH-related conditions. ClinVar contains an entry for this variant (Variation ID: 447679). Advanced modeling of protein sequence and biophysical properties (such as structural, functional, and spatial information, amino acid conservation, physicochemical variation, residue mobility, and thermodynamic stability) performed at Invitae indicates that this missense variant is not expected to disrupt L2HGDH protein function with a negative predictive value of 80%. In summary, the available evidence is currently insufficient to determine the role of this variant in disease. Therefore, it has been classified as a Variant of Uncertain Significance.

Ambry Genetics
Classification: Likely benign for Inborn genetic diseases. Last evaluated: 2024-04-29. Review status: criteria provided, single submitter. Criteria: Ambry Variant Classification Scheme 2023. Collection method: clinical testing. Allele origin: germline.

Athena Diagnostics
Classification: Uncertain significance. Last evaluated: 2019-06-04. Review status: criteria provided, single submitter. Criteria: Athena Diagnostics Criteria. Collection method: clinical testing. Allele origin: germline.